The following is an entry in ClinVar:

NM_201384.3(PLEC):c.9956C>T (p.Ala3319Val)

Gene: PLEC (plectin; minus strand). Cytogenetic location: 8q24.3.
Variant type: single nucleotide variant.
Coding change: c.9956C>T on transcript NM_201384.3 (MANE Select); coding-DNA position 9956, C replaced by T.
Protein change: p.Ala3319Val; replaces alanine 3319 with valine.
Molecular consequence: missense variant.
Genome position (GRCh38, 1-based): chr8:143,919,865, G>A on the plus strand (C>T on the coding strand, the complement: PLEC is on the minus strand). VCF-style: chr8-143919865-G-A. GRCh37 (hg19) VCF-style: chr8-144994033-G-A.
Other names: c.10037C>T, p.Ala3346Val (NM_000445.5); c.9914C>T, p.Ala3305Val (NM_201378.4); c.9890C>T, p.Ala3297Val (NM_201379.3); c.10367C>T, p.Ala3456Val (NM_201380.4); c.9860C>T, p.Ala3287Val (NM_201381.3); c.9956C>T, p.Ala3319Val (NM_201382.4); c.9968C>T, p.Ala3323Val (NM_201383.3); short protein forms A3456V, A3287V, A3297V, A3305V, A3319V, A3323V, A3346V.
Identifiers: ClinVar variation 538938 (VCV000538938.9), dbSNP rs782592296, ClinGen allele CA4924805.

ClinVar aggregate classification (germline): Uncertain significance (1 of 4 stars; one submission).

Conditions:
Epidermolysis bullosa simplex with nail dystrophy (EBS5D). Identifiers: MedGen C4225309, MONDO:0014661, OMIM 616487.
Epidermolysis bullosa simplex 5B, with muscular dystrophy (EBS5B). Also called: EPIDERMOLYSIS BULLOSA SIMPLEX AND LIMB-GIRDLE MUSCULAR DYSTROPHY; Epidermolysis bullosa simplex with muscular dystrophy. Identifiers: Orphanet 257, MedGen C2931072, MONDO:0009181, OMIM 226670.
Epidermolysis bullosa simplex, Ogna type (EBS5A). Also called: Pidermolysis bullosa simplex 5A, Ogna type; EPIDERMOLYSIS BULLOSA SIMPLEX 5A, OGNA TYPE. Identifiers: Orphanet 79401, MedGen C0432317, MONDO:0007555, OMIM 131950.
Autosomal recessive limb-girdle muscular dystrophy type 2Q (LGMDR17). Also called: MUSCULAR DYSTROPHY, LIMB-GIRDLE, AUTOSOMAL RECESSIVE 17. Identifiers: Orphanet 254361, MedGen C3150989, MONDO:0013390, OMIM 613723.
Epidermolysis bullosa simplex 5C, with pyloric atresia (EBS5C). Also called: PLEC-Related Epidermolysis Bullosa with Pyloric Atresia; Epidermolysis bullosa simplex with pyloric atresia; PLEC1-Related Epidermolysis Bullosa with Pyloric Atresia. Identifiers: Orphanet 158684, MedGen C2677349, MONDO:0012807, OMIM 612138.

Allele frequency attached by ClinVar (database versions not stated): gnomAD exomes 0.00001; TOPMed 0.00001; ExAC 0.00002; gnomAD 0.00002.
gnomAD v4.1: 24 of 1,613,004 alleles (0.0015%); highest among the groups gnomAD compares: Non-Finnish European, 0.0018%; no homozygotes.

Submission:

Labcorp Genetics (formerly Invitae), Labcorp
Classification: Uncertain significance for Autosomal recessive limb-girdle muscular dystrophy type 2Q; Epidermolysis bullosa simplex, Ogna type; Epidermolysis bullosa simplex with nail dystrophy; Epidermolysis bullosa simplex 5C, with pyloric atresia; Epidermolysis bullosa simplex 5B, with muscular dystrophy. Last evaluated: 2023-08-24. Review status: criteria provided, single submitter. Criteria: Invitae Variant Classification Sherloc (09022015). Collection method: clinical testing. Allele origin: germline.
Comment: This sequence change replaces alanine, which is neutral and non-polar, with valine, which is neutral and non-polar, at codon 3346 of the PLEC protein (p.Ala3346Val). This variant is present in population databases (rs782592296, gnomAD 0.004%). This variant has not been reported in the literature in individuals affected with PLEC-related conditions. ClinVar contains an entry for this variant (Variation ID: 538938). An algorithm developed to predict the effect of missense changes on protein structure and function (PolyPhen-2) suggests that this variant is likely to be disruptive. In summary, the available evidence is currently insufficient to determine the role of this variant in disease. Therefore, it has been classified as a Variant of Uncertain Significance.